The following is an entry in ClinVar:

ClinVar aggregate classification (germline): Pathogenic (1 of 4 stars; one submission).

Conditions:
Hereditary hemorrhagic telangiectasia (HHT). Also called: ORW DISEASE; Osler Weber Rendu syndrome; OSLER-RENDU-WEBER DISEASE; Osler hemorrhagic telangiectasia syndrome. Identifiers: Orphanet 774, MedGen C0039445, MONDO:0019180. Disease mechanism: loss of function.

Submission:

Labcorp Genetics (formerly Invitae), Labcorp
Classification: Pathogenic for Hereditary hemorrhagic telangiectasia. Last evaluated: 2022-09-08. Review status: criteria provided, single submitter. Criteria: Invitae Variant Classification Sherloc (09022015). Collection method: clinical testing. Allele origin: germline.
Comment: For these reasons, this variant has been classified as Pathogenic. This variant has not been reported in the literature in individuals affected with ENG-related conditions. This variant is not present in population databases (gnomAD no frequency). This sequence change creates a premature translational stop signal (p.Ser457Lysfs*44) in the ENG gene. It is expected to result in an absent or disrupted protein product. Loss-of-function variants in ENG are known to be pathogenic (PMID: 15879500).

Literature cited by the submitters: PubMed 15879500.

NM_001114753.3(ENG):c.1369dup (p.Ser457fs)

Genes: ENG (endoglin; minus strand), LOC102723566 (uncharacterized LOC102723566; plus strand). Cytogenetic location: 9q34.11.
Variant type: Duplication.
Coding change: c.1369dup on transcript NM_001114753.3 (MANE Select); coding-DNA position 1369, one base duplicated (A; older notation c.1369dupA).
Protein change: p.Ser457fs; shifts the reading frame from serine 457.
Molecular consequence: frameshift variant.
Genome position (GRCh38, 1-based): chr9:127,818,775, T duplicated on the plus strand (A on the coding strand, the reverse complement: ENG is on the minus strand). VCF-style (leftmost placement, unchanged base first): chr9-127818774-C-CT. GRCh37 (hg19) VCF-style: chr9-130581053-C-CT.
Other names: c.1369dup, p.Ser457Lysfs (NM_000118.4); c.823dup, p.Ser275fs (NM_001278138.2); short protein forms S275fs, S457fs.
Identifiers: ClinVar variation 2027904 (VCV002027904.4), dbSNP rs2539061007, ClinGen allele CA2580079677.
Genomic context (GRCh38, chr9:127,818,774, plus strand): 5'-ACCTGCACAAAGCTCTGCTGCCCCGGCTCGATGGTGTTGGAGGCCTGGAGGAAGTGTGGG[C>CT]TGAGGTAGAGGCCCAGCTGGAAAGAGAGGCTGTCCATGTTGAGGCAGTGCACCTTTTTCT-3'